The following is an entry in ClinVar:

ClinVar aggregate classification (germline): Likely pathogenic (1 of 4 stars; one submission).

Conditions:
Tooth agenesis, selective, 7 (STHAG7). Identifiers: Orphanet 99798, MedGen C4225231, MONDO:0014749, OMIM 616724.

Submission:

Juno Genomics, Hangzhou Juno Genomics, Inc
Classification: Likely pathogenic for Tooth agenesis, selective, 7. Review status: criteria provided, single submitter. Criteria: ACMG Guidelines, 2015. Collection method: clinical testing. Allele origin: germline.
Comment: Absent from controls (or at extremely low frequency if recessive) in Genome Aggregation Database.;Null variant in a gene where loss of function (LOF) is a known mechanism of disease.

NM_002336.3(LRP6):c.4053C>A (p.Cys1351Ter)

Gene: LRP6 (LDL receptor related protein 6; minus strand). Cytogenetic location: 12p13.2.
Variant type: single nucleotide variant.
Coding change: c.4053C>A on transcript NM_002336.3 (MANE Select); coding-DNA position 4053, C replaced by A.
Protein change: p.Cys1351Ter; replaces cysteine 1351 with a stop codon.
Molecular consequence: nonsense. On other transcripts: non-coding transcript variant (1).
Genome position (GRCh38, 1-based): chr12:12,130,811, G>T on the plus strand (C>A on the coding strand, the complement: LRP6 is on the minus strand). VCF-style: chr12-12130811-G-T. GRCh37 (hg19) VCF-style: chr12-12283745-G-T.
Other names: c.4146C>A, p.Cys1382Ter (NM_001414244.1); c.4053C>A, p.Cys1351Ter (NM_001414245.1, NM_001414248.1, NM_001414249.1 and 1 more transcripts); c.3918C>A, p.Cys1306Ter (NM_001414246.1); c.3855C>A, p.Cys1285Ter (NM_001414247.1); c.3690C>A, p.Cys1230Ter (NM_001414251.1); c.3600C>A, p.Cys1200Ter (NM_001414252.1, NM_001414253.1, NM_001414254.1); c.3546C>A, p.Cys1182Ter (NM_001414255.1); short protein forms C1182*, C1200*, C1230*, C1285*, C1306*, C1351*, C1382*.
Identifiers: ClinVar variation 5020056 (VCV005020056.2).